The following is an entry in ClinVar:

ClinVar aggregate classification (germline): Benign/Likely benign. Review status: criteria provided, multiple submitters, no conflicts (2 of 4 stars). 3 submissions from 3 submitters: Benign (2); Likely benign (1). Last evaluated 2023-04-01.

Conditions:
Peutz-Jeghers syndrome (PJS). Also called: POLYPOSIS, HAMARTOMATOUS INTESTINAL; POLYPS-AND-SPOTS SYNDROME; Peutz-Jeghers polyposis; Periorificial lentiginosis syndrome. Identifiers: Orphanet 2869, MedGen C0031269, MeSH D010580, MONDO:0008280, OMIM 175200.

Allele frequency attached by ClinVar (database versions not stated): 1000 Genomes Project 30x 0.00109; 1000 Genomes Project 0.00120; gnomAD 0.00374; TOPMed 0.00382.
gnomAD v4.1: 7,285 of 1,253,390 alleles (0.58%); highest among the groups gnomAD compares: Non-Finnish European, 0.7%; 33 homozygotes.

Submissions (3):

CeGaT Center for Human Genetics Tuebingen
Classification: Likely benign. Last evaluated: 2023-04-01. Review status: criteria provided, single submitter. Criteria: CeGaT Center For Human Genetics Tuebingen Variant Classification Criteria Version 2. Collection method: clinical testing. Allele origin: germline. Affected: yes. Observed: 3 variant alleles.
Comment: STK11: BS1

Illumina Laboratory Services, Illumina
Classification: Benign for Peutz-Jeghers syndrome. Last evaluated: 2018-01-13. Review status: criteria provided, single submitter. Criteria: ICSL Variant Classification Criteria 13 December 2019. Collection method: clinical testing. Allele origin: germline.
Comment: This variant was observed in the ICSL laboratory as part of a predisposition screen in an ostensibly healthy population. It had not been previously curated by ICSL or reported in the Human Gene Mutation Database (HGMD: prior to June 1st, 2018), and was therefore a candidate for classification through an automated scoring system. Utilizing variant allele frequency, disease prevalence and penetrance estimates, and inheritance mode, an automated score was calculated to assess if this variant is too frequent to cause the disease. Based on the score and internal cut-off values, a variant classified as benign is not then subjected to further curation. The score for this variant resulted in a classification of benign for this disease.

Breakthrough Genomics
Classification: Benign. Review status: criteria provided, single submitter. Criteria: ACMG Guidelines, 2015. Collection method: not provided. Allele origin: germline. Inheritance: Autosomal dominant inheritance. Affected: yes.

NM_000455.5(STK11):c.-127T>C

Gene: STK11 (serine/threonine kinase 11; plus strand). Cytogenetic location: 19p13.3.
Variant type: single nucleotide variant.
Coding change: c.-127T>C on transcript NM_000455.5 (MANE Select); 127 bases upstream of the start codon, T replaced by C.
Molecular consequence: 5 prime UTR variant.
Genome position (GRCh38, 1-based): chr19:1,206,787, T>C. VCF-style: chr19-1206787-T-C. GRCh37 (hg19) VCF-style: chr19-1206786-T-C.
Identifiers: ClinVar variation 328223 (VCV000328223.35), dbSNP rs532196225, ClinGen allele CA10648294.